The following is an entry in ClinVar:

ClinVar aggregate classification (germline): Benign. Review status: criteria provided, multiple submitters, no conflicts (2 of 4 stars). 3 submissions from 2 submitters: Benign (3). Last evaluated 2021-05-13.

Conditions:
Leydig cell agenesis. Also called: LEYDIG CELL HYPOPLASIA WITH MALE PSEUDOHERMAPHRODITISM; LEYDIG CELL HYPOPLASIA, COMPLETE; HYPERGONADOTROPIC HYPOGONADISM, MALE, DUE TO LHCGR DEFECT; Leydig cell hypoplasia, type 1. Identifiers: MedGen C0266432, MONDO:0009384, OMIM 238320.
Gonadotropin-independent familial sexual precocity. Also called: TESTOTOXICOSIS, FAMILIAL; Familial male-limited precocious puberty. Identifiers: Orphanet 3000, MedGen C0342549, MONDO:0008303, OMIM 176410.

Allele frequency attached by ClinVar (database versions not stated): gnomAD exomes 0.00432; gnomAD 0.04324 and 0.04668; 1000 Genomes Project 0.04493; 1000 Genomes Project 30x 0.04716; TOPMed 0.04772.
gnomAD v4.1: 6,690 of 190,948 alleles (3.5%); highest among the groups gnomAD compares: African/African-American, 15%; 485 homozygotes.

Submissions (3):

GeneDx
Classification: Benign. Last evaluated: 2021-05-13. Review status: criteria provided, single submitter. Criteria: GeneDx Variant Classification Process June 2021. Collection method: clinical testing. Allele origin: germline. Affected: yes.

Illumina Laboratory Services, Illumina
Classification: Benign for Leydig cell agenesis. Last evaluated: 2018-01-13. Review status: criteria provided, single submitter. Criteria: ICSL Variant Classification Criteria 13 December 2019. Collection method: clinical testing. Allele origin: germline.
Comment: This variant was observed in the ICSL laboratory as part of a predisposition screen in an ostensibly healthy population. It had not been previously curated by ICSL or reported in the Human Gene Mutation Database (HGMD: prior to June 1st, 2018), and was therefore a candidate for classification through an automated scoring system. Utilizing variant allele frequency, disease prevalence and penetrance estimates, and inheritance mode, an automated score was calculated to assess if this variant is too frequent to cause the disease. Based on the score and internal cut-off values, a variant classified as benign is not then subjected to further curation. The score for this variant resulted in a classification of benign for this disease.

Illumina Laboratory Services, Illumina
Classification: Benign for Gonadotropin-independent familial sexual precocity. Last evaluated: 2018-01-13. Review status: criteria provided, single submitter. Criteria: ICSL Variant Classification Criteria 13 December 2019. Collection method: clinical testing. Allele origin: germline.
Comment: the same text as in the submission from Illumina Laboratory Services, Illumina above.

NM_000233.4(LHCGR):c.*360G>A

Genes: STON1-GTF2A1L (STON1-GTF2A1L readthrough; plus strand), LHCGR (luteinizing hormone/choriogonadotropin receptor; minus strand). Cytogenetic location: 2p16.3.
Variant type: single nucleotide variant.
Coding change: c.*360G>A on transcript NM_000233.4 (MANE Select); 360 bases downstream of the stop codon, G replaced by A.
Molecular consequence: 3 prime UTR variant. On other transcripts: intron variant (1).
Genome position (GRCh38, 1-based): chr2:48,687,337, C>T on the plus strand (G>A on the coding strand, the complement: LHCGR is on the minus strand). VCF-style: chr2-48687337-C-T. GRCh37 (hg19) VCF-style: chr2-48914476-C-T.
Other names: c.3441+15657C>T (NM_001198593.2).
Identifiers: ClinVar variation 336450 (VCV000336450.7), dbSNP rs10495956, ClinGen allele CA10613594.